The following is an entry in ClinVar:

ClinVar aggregate classification (germline): Uncertain significance (1 of 4 stars; one submission).

Conditions:
Familial thoracic aortic aneurysm and aortic dissection (TAAD). Also called: Thoracic aortic aneurysms and dissections. Identifiers: Orphanet 91387, MedGen C4707243, MONDO:0019625.

gnomAD v4.1: 8 of 1,614,030 alleles (0.0005%); highest among the groups gnomAD compares: African/African-American, 0.0093%; no homozygotes.

Submission:

Ambry Genetics
Classification: Uncertain significance for Familial thoracic aortic aneurysm and aortic dissection. Last evaluated: 2024-11-30. Review status: criteria provided, single submitter. Criteria: Ambry Variant Classification Scheme 2023. Collection method: clinical testing. Allele origin: germline.
Comment: The p.P39L variant (also known as c.116C>T), located in coding exon 1 of the MYLK gene, results from a C to T substitution at nucleotide position 116. The proline at codon 39 is replaced by leucine, an amino acid with similar properties. This amino acid position is conserved. In addition, this alteration is predicted to be tolerated by in silico analysis. Based on the available evidence, the clinical significance of this variant remains unclear.

NM_053025.4(MYLK):c.116C>T (p.Pro39Leu)

Gene: MYLK (myosin light chain kinase; minus strand). Cytogenetic location: 3q21.1.
Variant type: single nucleotide variant.
Coding change: c.116C>T on transcript NM_053025.4 (MANE Select); coding-DNA position 116, C replaced by T.
Protein change: p.Pro39Leu; replaces proline 39 with leucine.
Molecular consequence: missense variant. On other transcripts: 5 prime UTR variant (1).
Genome position (GRCh38, 1-based): chr3:123,793,726, G>A on the plus strand (C>T on the coding strand, the complement: MYLK is on the minus strand). VCF-style: chr3-123793726-G-A. GRCh37 (hg19) VCF-style: chr3-123512573-G-A.
Other names: c.-205C>T (NM_001321309.2); c.116C>T, p.Pro39Leu (NM_053026.4, NM_053027.4, NM_053028.4); short protein forms P39L.
Identifiers: ClinVar variation 3401075 (VCV003401075.1).